The following is an entry in ClinVar:

NM_003970.4(MYOM2):c.2727G>A (p.Ala909=)

Gene: MYOM2 (myomesin 2; plus strand). Cytogenetic location: 8p23.3.
Variant type: single nucleotide variant.
Coding change: c.2727G>A on transcript NM_003970.4 (MANE Select); coding-DNA position 2727, G replaced by A.
Protein change: p.Ala909=; no amino-acid change (alanine 909 retained).
Molecular consequence: synonymous variant.
Genome position (GRCh38, 1-based): chr8:2,102,774, G>A. VCF-style: chr8-2102774-G-A. GRCh37 (hg19) VCF-style: chr8-2050564-G-A.
Identifiers: ClinVar variation 3034134 (VCV003034134.2), dbSNP rs34460811, ClinGen allele CA170458648.

ClinVar aggregate classification (germline): Benign (0 of 4 stars; one submission).

Conditions:
MYOM2-related disorder. Also called: MYOM2-related condition.

Allele frequency attached by ClinVar (database versions not stated): gnomAD exomes 0.00076; ExAC 0.00269; ESP Exome Variant Server 0.00892; 1000 Genomes Project 0.00899; gnomAD 0.00907; TOPMed 0.00910; 1000 Genomes Project 30x 0.00968.
gnomAD v4.1: 2,508 of 1,612,988 alleles (0.16%); highest among the groups gnomAD compares: African/African-American, 3.1%; 29 homozygotes.

Submission:

PreventionGenetics, part of Exact Sciences
Classification: Benign for MYOM2-related condition. Last evaluated: 2019-08-20. Review status: no assertion criteria provided. Collection method: clinical testing. Allele origin: germline.
Comment: This variant is classified as benign based on ACMG/AMP sequence variant interpretation guidelines (Richards et al. 2015 PMID: 25741868, with internal and published modifications).